The following is an entry in ClinVar:

NM_000038.6(APC):c.8150G>T (p.Gly2717Val)

Gene: APC (APC regulator of Wnt signaling pathway; plus strand). Cytogenetic location: 5q22.2.
Variant type: single nucleotide variant.
Coding change: c.8150G>T on transcript NM_000038.6 (MANE Select); coding-DNA position 8150, G replaced by T.
Protein change: p.Gly2717Val; replaces glycine 2717 with valine.
Molecular consequence: missense variant. On other transcripts: non-coding transcript variant (2).
Genome position (GRCh38, 1-based): chr5:112,843,744, G>T. VCF-style: chr5-112843744-G-T. GRCh37 (hg19) VCF-style: chr5-112179441-G-T.
Other names: c.8150G>T, p.Gly2717Val (NM_001127510.3, NM_001354895.2, NM_001407450.1); c.8096G>T, p.Gly2699Val (NM_001127511.3); c.8204G>T, p.Gly2735Val (NM_001354896.2, NM_001407447.1, NM_001407448.1 and 1 more transcripts); c.8180G>T, p.Gly2727Val (NM_001354897.2); c.8075G>T, p.Gly2692Val (NM_001354898.2); c.8066G>T, p.Gly2689Val (NM_001354899.2); c.8027G>T, p.Gly2676Val (NM_001354900.2); c.7973G>T, p.Gly2658Val (NM_001354901.2, NM_001407453.1); and 11 more; short protein forms G2333V, G2434V, G2557V, G2588V, G2591V, G2616V, G2626V, G2634V.
Identifiers: ClinVar variation 4801527 (VCV004801527.1).
Genomic context (GRCh38, chr5:112,843,744, plus strand): 5'-CAAAAGATAATCAGGCAAAACAAAATGTGGGTAATGGCAGTGTTCCCATGCGTACCGTGG[G>T]TTTGGAAAATCGCCTGAACTCCTTTATTCAGGTGGATGCCCCTGACCAAAAAGGAACTGA-3'
Protein context (NP_000029.2, residues 2707-2727): GNGSVPMRTV[Gly2717Val]LENRLNSFIQ

ClinVar aggregate classification (germline): Uncertain significance (1 of 4 stars; one submission).

Conditions:
Familial adenomatous polyposis 1 (FAP1). Also called: FAMILIAL ADENOMATOUS POLYPOSIS 1, ATTENUATED; POLYPOSIS, ADENOMATOUS INTESTINAL. Identifiers: MedGen C2713442, MONDO:0021056, OMIM 175100. Disease mechanism: loss of function.

Submission:

Labcorp Genetics (formerly Invitae), Labcorp
Classification: Uncertain significance for Familial adenomatous polyposis 1. Last evaluated: 2025-10-14. Review status: criteria provided, single submitter. Criteria: Invitae Variant Classification Sherloc (09022015). Collection method: clinical testing. Allele origin: germline.
Comment: This sequence change replaces glycine, which is neutral and non-polar, with valine, which is neutral and non-polar, at codon 2717 of the APC protein (p.Gly2717Val). This variant is not present in population databases (gnomAD no frequency). This variant has not been reported in the literature in individuals affected with APC-related conditions. Invitae Evidence Modeling of protein sequence and biophysical properties (such as structural, functional, and spatial information, amino acid conservation, physicochemical variation, residue mobility, and thermodynamic stability) indicates that this missense variant is not expected to disrupt APC protein function with a negative predictive value of 95%. In summary, the available evidence is currently insufficient to determine the role of this variant in disease. Therefore, it has been classified as a Variant of Uncertain Significance.